The following is an entry in ClinVar:

NM_032273.4(TMEM126A):c.52T>C (p.Ser18Pro)

Gene: TMEM126A (transmembrane protein 126A; plus strand). Cytogenetic location: 11q14.1.
Variant type: single nucleotide variant.
Coding change: c.52T>C on transcript NM_032273.4 (MANE Select); coding-DNA position 52, T replaced by C.
Protein change: p.Ser18Pro; replaces serine 18 with proline.
Molecular consequence: missense variant. On other transcripts: intron variant (1).
Genome position (GRCh38, 1-based): chr11:85,650,307, T>C. VCF-style: chr11-85650307-T-C. GRCh37 (hg19) VCF-style: chr11-85361351-T-C.
Other names: c.-125+2218T>C (NM_001244735.2); short protein forms S18P.
Identifiers: ClinVar variation 3364858 (VCV003364858.1).

ClinVar aggregate classification (germline): Uncertain significance (1 of 4 stars; one submission).

gnomAD v4.1: 6 of 1,608,876 alleles (0.00037%); highest among the groups gnomAD compares: Non-Finnish European, 0.00051%; no homozygotes.

Submission:

GeneDx
Classification: Uncertain significance. Last evaluated: 2023-11-27. Review status: criteria provided, single submitter. Criteria: GeneDx Variant Classification Process June 2021. Collection method: clinical testing. Allele origin: germline. Affected: yes.
Comment: Not observed at significant frequency in large population cohorts (gnomAD); In silico analysis supports that this missense variant does not alter protein structure/function; Has not been previously published as pathogenic or benign to our knowledge